The following is an entry in ClinVar:

ClinVar aggregate classification (germline): Likely benign (0 of 4 stars; one submission).

Conditions:
NCOR2-related disorder. Also called: NCOR2-related condition.

Allele frequency attached by ClinVar (database versions not stated): gnomAD exomes 0.00002; gnomAD 0.00003; TOPMed 0.00006; ExAC 0.00021.
gnomAD v4.1: 41 of 1,335,920 alleles (0.0031%); highest among the groups gnomAD compares: East Asian, 0.02%; no homozygotes.

Submission:

PreventionGenetics, part of Exact Sciences
Classification: Likely benign for NCOR2-related condition. Last evaluated: 2019-09-16. Review status: no assertion criteria provided. Collection method: clinical testing. Allele origin: germline.
Comment: This variant is classified as likely benign based on ACMG/AMP sequence variant interpretation guidelines (Richards et al. 2015 PMID: 25741868, with internal and published modifications).

NM_006312.6(NCOR2):c.7410G>A (p.Ala2470=)

Gene: NCOR2 (nuclear receptor corepressor 2; minus strand). Cytogenetic location: 12q24.31.
Variant type: single nucleotide variant.
Coding change: c.7410G>A on transcript NM_006312.6 (MANE Select); coding-DNA position 7410, G replaced by A.
Protein change: p.Ala2470=; no amino-acid change (alanine 2470 retained).
Molecular consequence: synonymous variant.
Genome position (GRCh38, 1-based): chr12:124,325,537, C>T on the plus strand (G>A on the coding strand, the complement: NCOR2 is on the minus strand). VCF-style: chr12-124325537-C-T. GRCh37 (hg19) VCF-style: chr12-124810083-C-T.
Other names: c.7242G>A, p.Ala2414= (NM_001077261.4); c.7380G>A, p.Ala2460= (NM_001206654.2).
Identifiers: ClinVar variation 3039817 (VCV003039817.2), dbSNP rs772122155, ClinGen allele CA6867118.